The following is an entry in ClinVar:

NM_004130.4(GYG1):c.926C>T (p.Pro309Leu)

Gene: GYG1 (glycogenin 1; plus strand). Cytogenetic location: 3q24.
Variant type: single nucleotide variant.
Coding change: c.926C>T on transcript NM_004130.4 (MANE Select); coding-DNA position 926, C replaced by T.
Protein change: p.Pro309Leu; replaces proline 309 with leucine.
Molecular consequence: missense variant. On other transcripts: nonsense (1).
Genome position (GRCh38, 1-based): chr3:149,026,806, C>T. VCF-style: chr3-149026806-C-T. GRCh37 (hg19) VCF-style: chr3-148744593-C-T.
Other names: c.875C>T, p.Pro292Leu (NM_001184720.2); c.655C>T, p.Gln219Ter (NM_001184721.2); short protein forms P309L, P292L, Q219*.
Identifiers: ClinVar variation 1422519 (VCV001422519.3), dbSNP rs1014772125, ClinGen allele CA85520484.

ClinVar aggregate classification (germline): Uncertain significance (1 of 4 stars; one submission).

Conditions:
Glycogen storage disease XV (GSD15). Also called: GLYCOGENIN DEFICIENCY; GSD XV. Identifiers: Orphanet 263297, MedGen C3150754, MONDO:0013291, OMIM 613507.
Polyglucosan body myopathy type 2. Identifiers: Orphanet 456369, MedGen C4015452, MONDO:0014526, OMIM 616199.

Allele frequency attached by ClinVar (database versions not stated): gnomAD exomes below 0.00001 and 0.00003; gnomAD 0.00001; TOPMed 0.00002.
gnomAD v4.1: 48 of 1,613,778 alleles (0.003%); highest among the groups gnomAD compares: Non-Finnish European, 0.0039%; no homozygotes.

Submission:

Labcorp Genetics (formerly Invitae), Labcorp
Classification: Uncertain significance for Polyglucosan body myopathy type 2; Glycogen storage disease XV. Last evaluated: 2021-12-23. Review status: criteria provided, single submitter. Criteria: Invitae Variant Classification Sherloc (09022015). Collection method: clinical testing. Allele origin: germline.
Comment: This sequence change replaces proline, which is neutral and non-polar, with leucine, which is neutral and non-polar, at codon 309 of the GYG1 protein (p.Pro309Leu). This variant is present in population databases (no rsID available, gnomAD 0.002%). This variant has not been reported in the literature in individuals affected with GYG1-related conditions. Algorithms developed to predict the effect of missense changes on protein structure and function (SIFT, PolyPhen-2, Align-GVGD) all suggest that this variant is likely to be tolerated. In summary, the available evidence is currently insufficient to determine the role of this variant in disease. Therefore, it has been classified as a Variant of Uncertain Significance.